The following is an entry in ClinVar:

NM_000268.4(NF2):c.490G>T (p.Ala164Ser)

Gene: NF2 (NF2, moesin-ezrin-radixin like (MERLIN) tumor suppressor; plus strand). Cytogenetic location: 22q12.2.
Variant type: single nucleotide variant.
Coding change: c.490G>T on transcript NM_000268.4 (MANE Select); coding-DNA position 490, G replaced by T.
Protein change: p.Ala164Ser; replaces alanine 164 with serine.
Molecular consequence: missense variant. On other transcripts: intron variant (1), 5 prime UTR variant (1).
Genome position (GRCh38, 1-based): chr22:29,654,699, G>T. VCF-style: chr22-29654699-G-T. GRCh37 (hg19) VCF-style: chr22-30050688-G-T.
Other names: c.447+12414G>T (NM_181833.3); c.376G>T, p.Ala126Ser (NM_001407053.1, NM_001407056.1); c.367G>T, p.Ala123Ser (NM_001407054.1, NM_001407058.1, NM_001407062.1 and 1 more transcripts); c.364G>T, p.Ala122Ser (NM_001407055.1, NM_181828.3); c.490G>T, p.Ala164Ser (NM_001407057.1, NM_001407059.1, NM_001407060.1 and 4 more transcripts); c.241G>T, p.Ala81Ser (NM_001407063.1, NM_001407064.1, NM_181830.3 and 1 more transcripts); c.-151G>T (NM_001407065.1); c.259G>T, p.Ala87Ser (NM_001407067.1); short protein forms A122S, A123S, A126S, A164S, A81S, A87S.
Identifiers: ClinVar variation 4810090 (VCV004810090.1).

ClinVar aggregate classification (germline): Uncertain significance (1 of 4 stars; one submission).

Conditions:
Neurofibromatosis, type 2 (SWNV). Also called: BILATERAL ACOUSTIC NEUROFIBROMATOSIS; NF2-Related Schwannomatosis; SCHWANNOMATOSIS, VESTIBULAR. Identifiers: Orphanet 637, MedGen C0027832, MONDO:0007039, OMIM 101000. Disease mechanism: loss of function.

Submission:

Labcorp Genetics (formerly Invitae), Labcorp
Classification: Uncertain significance for Neurofibromatosis, type 2. Last evaluated: 2025-10-15. Review status: criteria provided, single submitter. Criteria: Invitae Variant Classification Sherloc (09022015). Collection method: clinical testing. Allele origin: germline.
Comment: This sequence change replaces alanine, which is neutral and non-polar, with serine, which is neutral and polar, at codon 164 of the NF2 protein (p.Ala164Ser). This variant is not present in population databases (gnomAD no frequency). This variant has not been reported in the literature in individuals affected with NF2-related conditions. Invitae Evidence Modeling of protein sequence and biophysical properties (such as structural, functional, and spatial information, amino acid conservation, physicochemical variation, residue mobility, and thermodynamic stability) indicates that this missense variant is not expected to disrupt NF2 protein function with a negative predictive value of 80%. In summary, the available evidence is currently insufficient to determine the role of this variant in disease. Therefore, it has been classified as a Variant of Uncertain Significance.